The following is an entry in ClinVar:

NM_014679.5(CEP57):c.958G>A (p.Ala320Thr)

Gene: CEP57 (centrosomal protein 57; plus strand). Cytogenetic location: 11q21.
Variant type: single nucleotide variant.
Coding change: c.958G>A on transcript NM_014679.5 (MANE Select); coding-DNA position 958, G replaced by A.
Protein change: p.Ala320Thr; replaces alanine 320 with threonine.
Molecular consequence: missense variant.
Genome position (GRCh38, 1-based): chr11:95,827,858, G>A. VCF-style: chr11-95827858-G-A. GRCh37 (hg19) VCF-style: chr11-95561022-G-A.
Other names: c.931G>A, p.Ala311Thr (NM_001243776.2); c.880G>A, p.Ala294Thr (NM_001243777.2); c.877G>A, p.Ala293Thr (NM_001363604.2, NM_001440869.1, NM_001440870.1); c.850G>A, p.Ala284Thr (NM_001440871.1); c.841G>A, p.Ala281Thr (NM_001440872.1); c.778G>A, p.Ala260Thr (NM_001440873.1); c.772G>A, p.Ala258Thr (NM_001440874.1); c.769G>A, p.Ala257Thr (NM_001440875.1); and 6 more; short protein forms A219T, A221T, A233T, A245T, A254T, A255T, A257T, A258T.
Identifiers: ClinVar variation 4868761 (VCV004868761.1).

ClinVar aggregate classification (germline): Uncertain significance (1 of 4 stars; one submission).

Conditions:
Inborn genetic diseases. Identifiers: MedGen C0950123, MeSH D030342.

Submission:

Ambry Genetics
Classification: Uncertain significance for Inborn genetic diseases. Last evaluated: 2026-04-28. Review status: criteria provided, single submitter. Criteria: Ambry Variant Classification Scheme 2023. Collection method: clinical testing. Allele origin: germline.
Comment: The p.A320T variant (also known as c.958G>A), located in coding exon 9 of the CEP57 gene, results from a G to A substitution at nucleotide position 958. The alanine at codon 320 is replaced by threonine, an amino acid with similar properties. This amino acid position is conserved. In addition, this alteration is predicted to be tolerated by in silico analysis. Based on the available evidence, the clinical significance of this variant remains unclear.